The following is an entry in ClinVar:

NM_015690.5(STK36):c.642G>A (p.Lys214=)

Gene: STK36 (serine/threonine kinase 36; plus strand). Cytogenetic location: 2q35.
Variant type: single nucleotide variant.
Coding change: c.642G>A on transcript NM_015690.5 (MANE Select); coding-DNA position 642, G replaced by A.
Protein change: p.Lys214=; no amino-acid change (lysine 214 retained).
Molecular consequence: synonymous variant.
Genome position (GRCh38, 1-based): chr2:218,676,236, G>A. VCF-style: chr2-218676236-G-A. GRCh37 (hg19) VCF-style: chr2-219540959-G-A.
Other names: c.642G>A, p.Lys214= (NM_001243313.2, NM_001369423.1).
Identifiers: ClinVar variation 3350730 (VCV003350730.2).

ClinVar aggregate classification (germline): Uncertain significance. Review status: criteria provided, single submitter (1 of 4 stars). 2 submissions from 2 submitters: Uncertain significance (1). 1 of the submissions does not count toward it. Last evaluated 2023-12-29.

Conditions:
Ciliary dyskinesia, primary, 46. Identifiers: MedGen C5543646, MONDO:0030332, OMIM 619436.
STK36-related disorder. Also called: STK36-related condition.

gnomAD v4.1: 20 of 1,614,046 alleles (0.0012%); highest among the groups gnomAD compares: Admixed American, 0.03%; no homozygotes.

Submissions (2):

Fulgent Genetics
Classification: Uncertain significance for Ciliary dyskinesia, primary, 46. Last evaluated: 2023-12-29. Review status: criteria provided, single submitter. Criteria: ACMG Guidelines, 2015. Collection method: clinical testing. Allele origin: germline.

PreventionGenetics, part of Exact Sciences
Classification: Likely benign for STK36-related condition. Last evaluated: 2024-04-23. Review status: no assertion criteria provided. Collection method: clinical testing. Allele origin: germline. Not counted in ClinVar's aggregate classification.
Comment: This variant is classified as likely benign based on ACMG/AMP sequence variant interpretation guidelines (Richards et al. 2015 PMID: 25741868, with internal and published modifications).